The following is an entry in ClinVar:

ClinVar aggregate classification (germline): Benign (1 of 4 stars; one submission).

Submission:

CeGaT Center for Human Genetics Tuebingen
Classification: Benign. Last evaluated: 2022-09-01. Review status: criteria provided, single submitter. Criteria: CeGaT Center For Human Genetics Tuebingen Variant Classification Criteria Version 2. Collection method: clinical testing. Allele origin: germline. Affected: yes. Observed: 2 variant alleles.
Comment: RAB7A: BS1, BS2

NM_004637.6(RAB7A):c.-70CTC[2]

Gene: RAB7A (RAB7A, member RAS oncogene family; plus strand). Cytogenetic location: 3q21.3.
Variant type: Microsatellite.
Coding change: c.-70CTC[2] on transcript NM_004637.6 (MANE Select); two copies in a row of the 3-base unit CTC starting at c.-70; the reference has three copies in a row; one copy, 3 bases deleted.
Molecular consequence: 5 prime UTR variant.
Genome position (GRCh38, 1-based): chr3:128,726,304-128,726,306, CTC deleted; deleting any 3 consecutive bases within chr3:128,726,298-128,726,306 gives the same sequence; the position shown is the placement nearest the transcript's 3' end. VCF-style (leftmost placement, unchanged base first): chr3-128726297-TCTC-T. GRCh37 (hg19) VCF-style: chr3-128445140-TCTC-T.
Identifiers: ClinVar variation 343155 (VCV000343155.29), dbSNP rs763539443, ClinGen allele CA10614791.